The following is an entry in ClinVar:

NM_020433.5(JPH2):c.168C>A (p.Ser56Arg)

Gene: JPH2 (junctophilin 2; minus strand). Cytogenetic location: 20q13.12.
Variant type: single nucleotide variant.
Coding change: c.168C>A on transcript NM_020433.5 (MANE Select); coding-DNA position 168, C replaced by A.
Protein change: p.Ser56Arg; replaces serine 56 with arginine.
Molecular consequence: missense variant.
Genome position (GRCh38, 1-based): chr20:44,186,538, G>T on the plus strand (C>A on the coding strand, the complement: JPH2 is on the minus strand). VCF-style: chr20-44186538-G-T. GRCh37 (hg19) VCF-style: chr20-42815178-G-T.
Other names: c.168C>A, p.Ser56Arg (NM_175913.4); short protein forms S56R.
Identifiers: ClinVar variation 5022905 (VCV005022905.1).

ClinVar aggregate classification (germline): Uncertain significance (1 of 4 stars; one submission).

Conditions:
Cardiovascular phenotype. Identifiers: MedGen CN230736.

Submission:

Ambry Genetics
Classification: Uncertain significance for Cardiovascular phenotype. Last evaluated: 2026-08-10. Review status: criteria provided, single submitter. Criteria: Ambry Variant Classification Scheme 2023. Collection method: clinical testing. Allele origin: germline.
Comment: The p.S56R variant (also known as c.168C>A), located in coding exon 1 of the JPH2 gene, results from a C to A substitution at nucleotide position 168. The serine at codon 56 is replaced by arginine, an amino acid with dissimilar properties. This amino acid position is conserved. In addition, the in silico prediction for this alteration is inconclusive. Based on the available evidence, the clinical significance of this variant remains unclear.